The following is an entry in ClinVar:

NM_004360.5(CDH1):c.2206G>A (p.Val736Met)

Gene: CDH1 (cadherin 1; plus strand). Cytogenetic location: 16q22.1.
Variant type: single nucleotide variant.
Coding change: c.2206G>A on transcript NM_004360.5 (MANE Select); coding-DNA position 2206, G replaced by A.
Protein change: p.Val736Met; replaces valine 736 with methionine.
Molecular consequence: missense variant.
Genome position (GRCh38, 1-based): chr16:68,828,215, G>A. VCF-style: chr16-68828215-G-A. GRCh37 (hg19) VCF-style: chr16-68862118-G-A.
Other names: c.2023G>A, p.Val675Met (NM_001317184.2); c.658G>A, p.Val220Met (NM_001317185.2); c.241G>A, p.Val81Met (NM_001317186.2); short protein forms V220M, V81M, V675M, V736M.
Identifiers: ClinVar variation 2775042 (VCV002775042.6), dbSNP rs2152141434, ClinGen allele CA396469564.

ClinVar aggregate classification (germline): Uncertain significance. Review status: criteria provided, multiple submitters, no conflicts (2 of 4 stars). 3 submissions from 3 submitters: Uncertain significance (3). Last evaluated 2026-07-06.

Conditions:
Hereditary diffuse gastric adenocarcinoma (HDGC). Also called: DIFFUSE GASTRIC AND LOBULAR BREAST CANCER SYNDROME. Identifiers: Orphanet 26106, MedGen C1708349, MONDO:0007648, OMIM 137215.
Hereditary cancer-predisposing syndrome. Also called: Hereditary Cancer Syndrome; Hereditary neoplastic syndrome; Neoplastic Syndromes, Hereditary; Tumor predisposition. Identifiers: Orphanet 140162, MedGen C0027672, MeSH D009386, MONDO:0015356.

Submissions (3):

Ambry Genetics
Classification: Uncertain significance for Hereditary cancer-predisposing syndrome. Last evaluated: 2026-07-06. Review status: criteria provided, single submitter. Criteria: Ambry Variant Classification Scheme 2023. Collection method: clinical testing. Allele origin: germline.
Comment: The p.V736M variant (also known as c.2206G>A), located in coding exon 14 of the CDH1 gene, results from a G to A substitution at nucleotide position 2206. The valine at codon 736 is replaced by methionine, an amino acid with highly similar properties. This amino acid position is conserved. In addition, this alteration is predicted to be tolerated by in silico analysis. Based on the available evidence, the clinical significance of this variant remains unclear.

Color Diagnostics, LLC DBA Color Health
Classification: Uncertain significance for Hereditary cancer-predisposing syndrome. Last evaluated: 2023-12-05. Review status: criteria provided, single submitter. Criteria: ACMG Guidelines, 2015. Collection method: clinical testing. Allele origin: germline.
Comment: This missense variant replaces valine with methionine at codon 736 of the CDH1 protein. To our knowledge, functional studies have not been reported for this variant. This variant has not been reported in individuals affected with hereditary cancer in the literature. This variant has not been identified in the general population by the Genome Aggregation Database (gnomAD). The available evidence is insufficient to determine the role of this variant in disease conclusively. Therefore, this variant is classified as a Variant of Uncertain Significance.

Labcorp Genetics (formerly Invitae), Labcorp
Classification: Uncertain significance for Hereditary diffuse gastric adenocarcinoma. Last evaluated: 2023-09-01. Review status: criteria provided, single submitter. Criteria: Invitae Variant Classification Sherloc (09022015). Collection method: clinical testing. Allele origin: germline.
Comment: This sequence change replaces valine, which is neutral and non-polar, with methionine, which is neutral and non-polar, at codon 736 of the CDH1 protein (p.Val736Met). This variant is not present in population databases (gnomAD no frequency). This variant has not been reported in the literature in individuals affected with CDH1-related conditions. An algorithm developed to predict the effect of missense changes on protein structure and function (PolyPhen-2) suggests that this variant is likely to be disruptive. In summary, the available evidence is currently insufficient to determine the role of this variant in disease. Therefore, it has been classified as a Variant of Uncertain Significance.